The following is an entry in ClinVar:

ClinVar aggregate classification (germline): Uncertain significance (1 of 4 stars; one submission).

Allele frequency attached by ClinVar (database versions not stated): gnomAD 0.00001; TOPMed 0.00001.

Submission:

Labcorp Genetics (formerly Invitae), Labcorp
Classification: Uncertain significance. Last evaluated: 2022-12-15. Review status: criteria provided, single submitter. Criteria: Invitae Variant Classification Sherloc (09022015). Collection method: clinical testing. Allele origin: germline.
Comment: This sequence change affects codon 503 of the VAV1 mRNA. It is a 'silent' change, meaning that it does not change the encoded amino acid sequence of the VAV1 protein. It affects a nucleotide within the consensus splice site. In summary, the available evidence is currently insufficient to determine the role of this variant in disease. Therefore, it has been classified as a Variant of Uncertain Significance. Algorithms developed to predict the effect of sequence changes on RNA splicing suggest that this variant is not likely to affect RNA splicing. This variant has not been reported in the literature in individuals affected with VAV1-related conditions. This variant is not present in population databases (gnomAD no frequency).

NM_005428.4(VAV1):c.1509C>T (p.Ile503=)

Gene: VAV1 (vav guanine nucleotide exchange factor 1; plus strand). Cytogenetic location: 19p13.3.
Variant type: single nucleotide variant.
Coding change: c.1509C>T on transcript NM_005428.4 (MANE Select); coding-DNA position 1509, C replaced by T.
Protein change: p.Ile503=; no amino-acid change (isoleucine 503 retained).
Molecular consequence: synonymous variant.
Genome position (GRCh38, 1-based): chr19:6,833,184, C>T. VCF-style: chr19-6833184-C-T. GRCh37 (hg19) VCF-style: chr19-6833195-C-T.
Other names: c.1509C>T, p.Ile503= (NM_001258206.2); c.1413C>T, p.Ile471= (NM_001258207.2).
Identifiers: ClinVar variation 2801119 (VCV002801119.3), dbSNP rs1446098875, ClinGen allele CA505209994.